The following is an entry in ClinVar:

ClinVar aggregate classification (germline): Uncertain significance (1 of 4 stars; one submission).

Submission:

Women's Health and Genetics/Laboratory Corporation of America, LabCorp
Classification: Uncertain significance. Last evaluated: 2023-06-19. Review status: criteria provided, single submitter. Criteria: LabCorp Variant Classification Summary - May 2015. Collection method: clinical testing. Allele origin: germline.
Comment: Variant summary: ACADM c.905A>G (p.Tyr302Cys) results in a non-conservative amino acid change located in the Acyl-CoA dehydrogenase/oxidase C-terminal (IPR009075) of the encoded protein sequence. Five of five in-silico tools predict a damaging effect of the variant on protein function. The variant was absent in 250862 control chromosomes (gnomAD). The available data on variant occurrences in the general population are insufficient to allow any conclusion about variant significance. c.905A>G has been reported in the literature in compund heterozygous individuals affected with Medium Chain Acyl-CoA Dehydrogenase Deficiency without evidence of cosegregation provided (Gong_2021, Li_2022). These reports do not provide unequivocal conclusions about association of the variant with Medium Chain Acyl-CoA Dehydrogenase Deficiency. To our knowledge, no experimental evidence demonstrating an impact on protein function has been reported. The following publications have been ascertained in the context of this evaluation (PMID: 33841490, 36068006). No submitters have cited clinical-significance assessments for this variant to ClinVar after 2014. Based on the evidence outlined above, the variant was classified as uncertain significance.

Literature cited by the submitters: PubMed 36068006; PubMed 33841490.

NM_000016.6(ACADM):c.905A>G (p.Tyr302Cys)

Gene: ACADM (acyl-CoA dehydrogenase medium chain; plus strand). Cytogenetic location: 1p31.1.
Variant type: single nucleotide variant.
Coding change: c.905A>G on transcript NM_000016.6 (MANE Select); coding-DNA position 905, A replaced by G.
Protein change: p.Tyr302Cys; replaces tyrosine 302 with cysteine.
Molecular consequence: missense variant.
Genome position (GRCh38, 1-based): chr1:75,750,506, A>G. VCF-style: chr1-75750506-A-G. GRCh37 (hg19) VCF-style: chr1-76216191-A-G.
Other names: c.917A>G, p.Tyr306Cys (NM_001127328.3); c.797A>G, p.Tyr266Cys (NM_001286042.2); c.1004A>G, p.Tyr335Cys (NM_001286043.2); c.338A>G, p.Tyr113Cys (NM_001286044.2); short protein forms Y113C, Y266C, Y302C, Y306C, Y335C.
Identifiers: ClinVar variation 2573418 (VCV002573418.1), dbSNP rs2525652879, ClinGen allele CA340817098.
Genomic context (GRCh38, chr1:75,750,506, plus strand): 5'-ACTAGGTAGCTGCTGGTGCTGTTGGATTAGCACAAAGAGCTTTGGATGAAGCTACCAAGT[A>G]TGCCCTGGAAAGGAAAACTTTCGGAAAGCTACTTGTAGAGGTAATTTTAATACTGCTTGC-3'
Protein context (NP_000007.1, residues 292-312): AQRALDEATK[Tyr302Cys]ALERKTFGKL